The following is an entry in ClinVar:

NM_007078.3(LDB3):c.944C>T (p.Pro315Leu)

Gene: LDB3 (LIM domain binding 3; plus strand). Cytogenetic location: 10q23.2.
Variant type: single nucleotide variant.
Coding change: c.944C>T on transcript NM_007078.3 (MANE Select); coding-DNA position 944, C replaced by T.
Protein change: p.Pro315Leu; replaces proline 315 with leucine.
Molecular consequence: missense variant. On other transcripts: intron variant (4).
Genome position (GRCh38, 1-based): chr10:86,706,578, C>T. VCF-style: chr10-86706578-C-T. GRCh37 (hg19) VCF-style: chr10-88466335-C-T.
Other names: c.803C>T, p.Pro268Leu (NM_001368066.1); c.897-3327C>T (NM_001368064.1, NM_001368065.1); c.1101-3327C>T (NM_001171610.2); c.756-3327C>T (NM_001080114.2); short protein forms P268L, P315L.
Identifiers: ClinVar variation 1009580 (VCV001009580.39), dbSNP rs371649487, ClinGen allele CA5585018.

ClinVar aggregate classification (germline): Conflicting classifications of pathogenicity. Review status: criteria provided, conflicting classifications (1 of 4 stars). 7 submissions from 7 submitters: Uncertain significance (2); Likely benign (2). 3 of the submissions do not count toward it. Last evaluated 2025-08-05.

Conditions:
Cardiovascular phenotype. Identifiers: MedGen CN230736.
Myofibrillar myopathy 4. Also called: Zaspopathy (type). Identifiers: Orphanet 98912, MedGen C4721886, MONDO:0012277, OMIM 609452.

Allele frequency attached by ClinVar (database versions not stated): ExAC 0.00004; gnomAD 0.00004 and 0.00005; gnomAD exomes 0.00004 and 0.00005; TOPMed 0.00004; ESP Exome Variant Server 0.00008.
gnomAD v4.1: 73 of 1,612,982 alleles (0.0045%); highest among the groups gnomAD compares: Middle Eastern, 0.016%; no homozygotes.

Submissions (7):

Ambry Genetics
Classification: Likely benign for Cardiovascular phenotype. Last evaluated: 2025-08-05. Review status: criteria provided, single submitter. Criteria: Ambry Variant Classification Scheme 2023. Collection method: clinical testing. Allele origin: germline.

Labcorp Genetics (formerly Invitae), Labcorp
Classification: Uncertain significance for Myofibrillar myopathy 4. Last evaluated: 2025-06-24. Review status: criteria provided, single submitter. Criteria: Invitae Variant Classification Sherloc (09022015). Collection method: clinical testing. Allele origin: germline.
Comment: The LDB3 gene has multiple clinically relevant transcripts. This variant occurs in alternate transcript NM_007078.3, and corresponds to NM_001080116.1:c.*7204C>T in the primary transcript. This sequence change replaces proline, which is neutral and non-polar, with leucine, which is neutral and non-polar, at codon 315 of the LDB3 protein (p.Pro315Leu). This variant is present in population databases (rs371649487, gnomAD 0.01%). This variant has not been reported in the literature in individuals affected with LDB3-related conditions. Experimental studies and prediction algorithms are not available or were not evaluated, and the functional significance of this variant is currently unknown. In summary, the available evidence is currently insufficient to determine the role of this variant in disease. Therefore, it has been classified as a Variant of Uncertain Significance.

GeneDx
Classification: Uncertain significance. Last evaluated: 2024-06-16. Review status: criteria provided, single submitter. Criteria: GeneDx Variant Classification Process June 2021. Collection method: clinical testing. Allele origin: germline. Affected: yes.
Comment: Reported in association with cardiomyopathy in patient who harbored a second cardiogenetic variant (PMID: 30847666); In silico analysis supports that this missense variant has a deleterious effect on protein structure/function; Reported using an alternate transcript of the gene; This variant is associated with the following publications: (PMID: 30847666, 37907926)

CeGaT Center for Human Genetics Tuebingen
Classification: Likely benign. Last evaluated: 2023-09-01. Review status: criteria provided, single submitter. Criteria: CeGaT Center For Human Genetics Tuebingen Variant Classification Criteria Version 2. Collection method: clinical testing. Allele origin: germline. Affected: yes. Observed: 1 variant allele.
Comment: LDB3: BP4

Clinical Genetics, Academic Medical Center
Classification: Uncertain significance. Review status: no assertion criteria provided. Collection method: clinical testing. Allele origin: germline. Affected: yes. Study: VKGL Data-share Consensus. Not counted in ClinVar's aggregate classification.

Diagnostic Laboratory, Department of Genetics, University Medical Center Groningen
Classification: Uncertain significance. Review status: no assertion criteria provided. Collection method: clinical testing. Allele origin: germline. Affected: yes. Study: VKGL Data-share Consensus. Not counted in ClinVar's aggregate classification.

Genome Diagnostics Laboratory, University Medical Center Utrecht
Classification: Uncertain significance. Review status: no assertion criteria provided. Collection method: clinical testing. Allele origin: germline. Affected: yes. Study: VKGL Data-share Consensus. Not counted in ClinVar's aggregate classification.

Literature cited by the submitters: PubMed 30847666 (cited by Ambry Genetics).